The following is an entry in ClinVar:

NM_021098.3(CACNA1H):c.5698C>T (p.Pro1900Ser)

Gene: CACNA1H (calcium voltage-gated channel subunit alpha1 H; plus strand). Cytogenetic location: 16p13.3.
Variant type: single nucleotide variant.
Coding change: c.5698C>T on transcript NM_021098.3 (MANE Select); coding-DNA position 5698, C replaced by T.
Protein change: p.Pro1900Ser; replaces proline 1900 with serine.
Molecular consequence: missense variant.
Genome position (GRCh38, 1-based): chr16:1,218,462, C>T. VCF-style: chr16-1218462-C-T. GRCh37 (hg19) VCF-style: chr16-1268462-C-T.
Other names: c.5680C>T, p.Pro1894Ser (NM_001005407.2); short protein forms P1894S, P1900S.
Identifiers: ClinVar variation 1971078 (VCV001971078.6), dbSNP rs1418469761, ClinGen allele CA394147717.

ClinVar aggregate classification (germline): Uncertain significance. Review status: criteria provided, multiple submitters, no conflicts (2 of 4 stars). 2 submissions from 2 submitters: Uncertain significance (2). Last evaluated 2024-11-11.

Conditions:
Inborn genetic diseases. Identifiers: MedGen C0950123, MeSH D030342.
Idiopathic generalized epilepsy. Also called: EIG; Generalised epilepsy. Identifiers: MedGen C0270850, MONDO:0005579, OMIM 600669.
Hyperaldosteronism, familial, type IV (HALD4). Also called: FH IV; ALDOSTERONISM, PRIMARY, AND HYPERTENSION. Identifiers: Orphanet 642671, MedGen C4310756, MONDO:0014875, OMIM 617027.

gnomAD v4.1: 23 of 1,551,500 alleles (0.0015%); highest among the groups gnomAD compares: Non-Finnish European, 0.0017%; no homozygotes.

Submissions (2):

Labcorp Genetics (formerly Invitae), Labcorp
Classification: Uncertain significance for Idiopathic generalized epilepsy; Hyperaldosteronism, familial, type IV. Last evaluated: 2024-11-11. Review status: criteria provided, single submitter. Criteria: Invitae Variant Classification Sherloc (09022015). Collection method: clinical testing. Allele origin: germline.
Comment: This sequence change replaces proline, which is neutral and non-polar, with serine, which is neutral and polar, at codon 1900 of the CACNA1H protein (p.Pro1900Ser). This variant is not present in population databases (gnomAD no frequency). This variant has not been reported in the literature in individuals affected with CACNA1H-related conditions. ClinVar contains an entry for this variant (Variation ID: 1971078). Invitae Evidence Modeling of protein sequence and biophysical properties (such as structural, functional, and spatial information, amino acid conservation, physicochemical variation, residue mobility, and thermodynamic stability) indicates that this missense variant is not expected to disrupt CACNA1H protein function with a negative predictive value of 80%. In summary, the available evidence is currently insufficient to determine the role of this variant in disease. Therefore, it has been classified as a Variant of Uncertain Significance.

Ambry Genetics
Classification: Uncertain significance for Inborn genetic diseases. Last evaluated: 2022-11-17. Review status: criteria provided, single submitter. Criteria: Ambry Variant Classification Scheme 2023. Collection method: clinical testing. Allele origin: germline.